The following is an entry in ClinVar:

NM_001151.4(SLC25A4):c.238C>G (p.Arg80Gly)

Gene: SLC25A4 (solute carrier family 25 member 4; plus strand). Cytogenetic location: 4q35.1.
Variant type: single nucleotide variant.
Coding change: c.238C>G on transcript NM_001151.4 (MANE Select); coding-DNA position 238, C replaced by G.
Protein change: p.Arg80Gly; replaces arginine 80 with glycine.
Molecular consequence: missense variant.
Genome position (GRCh38, 1-based): chr4:185,144,890, C>G. VCF-style: chr4-185144890-C-G. GRCh37 (hg19) VCF-style: chr4-186066044-C-G.
Other names: short protein forms R80G.
Identifiers: ClinVar variation 635018 (VCV000635018.1), dbSNP rs1560841701, ClinGen allele CA358896187.
Genomic context (GRCh38, chr4:185,144,890, plus strand): 5'-AGAATCCCTAAGGAGCAGGGCTTCCTCTCCTTCTGGAGGGGTAACCTGGCCAACGTGATC[C>G]GTTACTTCCCCACCCAAGCTCTCAACTTCGCCTTCAAGGACAAGTACAAGCAGCTCTTCT-3'
Protein context (NP_001142.2, residues 70-90): FWRGNLANVI[Arg80Gly]YFPTQALNFA

ClinVar aggregate classification (germline): Likely pathogenic (1 of 4 stars; one submission).

Conditions:
Mitochondrial DNA depletion syndrome 12A (cardiomyopathic type), autosomal dominant. Also called: Mitochondrial DNA depletion syndrome 12A (cardiomyopathic type) AD. Identifiers: MedGen C4310676, MONDO:0014959, OMIM 617184.

Submission:

Broad Center for Mendelian Genomics, Broad Institute of MIT and Harvard
Classification: Likely pathogenic for Mitochondrial DNA depletion syndrome 12A (cardiomyopathic type), autosomal dominant. Last evaluated: 2018-06-15. Review status: criteria provided, single submitter. Criteria: ACMG Guidelines, 2015. Collection method: research. Allele origin: germline. Inheritance: Autosomal dominant inheritance. Affected: yes.
Comment: Trio exome analysis showed this variant to be de novo. This variant was absent from large population studies, and the Arginine (Arg) at position 80 is highly conserved in mammals and evolutionarily distant species, supporting that a change at this position may not be tolerated. In summary, although additional studies are required to fully establish its pathogenicity, this variant is likely pathogenic.